The following is an entry in ClinVar:

NM_201384.3(PLEC):c.2541C>T (p.Ser847=)

Gene: PLEC (plectin; minus strand). Cytogenetic location: 8q24.3.
Variant type: single nucleotide variant.
Coding change: c.2541C>T on transcript NM_201384.3 (MANE Select); coding-DNA position 2541, C replaced by T.
Protein change: p.Ser847=; no amino-acid change (serine 847 retained).
Molecular consequence: synonymous variant.
Genome position (GRCh38, 1-based): chr8:143,930,215, G>A on the plus strand (C>T on the coding strand, the complement: PLEC is on the minus strand). VCF-style: chr8-143930215-G-A. GRCh37 (hg19) VCF-style: chr8-145004383-G-A.
Other names: c.2622C>T, p.Ser874= (NM_000445.5); c.2499C>T, p.Ser833= (NM_201378.4); c.2475C>T, p.Ser825= (NM_201379.3); c.2952C>T, p.Ser984= (NM_201380.4); c.2445C>T, p.Ser815= (NM_201381.3); c.2541C>T, p.Ser847= (NM_201382.4); c.2553C>T, p.Ser851= (NM_201383.3).
Identifiers: ClinVar variation 496990 (VCV000496990.42), dbSNP rs374688294, ClinGen allele CA4927483.

ClinVar aggregate classification (germline): Conflicting classifications of pathogenicity. Review status: criteria provided, conflicting classifications (1 of 4 stars). 5 submissions from 5 submitters: Uncertain significance (1); Likely benign (4). Last evaluated 2026-09-01.

Conditions:
Epidermolysis bullosa simplex 5C, with pyloric atresia (EBS5C). Also called: PLEC-Related Epidermolysis Bullosa with Pyloric Atresia; Epidermolysis bullosa simplex with pyloric atresia; PLEC1-Related Epidermolysis Bullosa with Pyloric Atresia. Identifiers: Orphanet 158684, MedGen C2677349, MONDO:0012807, OMIM 612138.
Epidermolysis bullosa simplex 5B, with muscular dystrophy (EBS5B). Also called: EPIDERMOLYSIS BULLOSA SIMPLEX AND LIMB-GIRDLE MUSCULAR DYSTROPHY; Epidermolysis bullosa simplex with muscular dystrophy. Identifiers: Orphanet 257, MedGen C2931072, MONDO:0009181, OMIM 226670.
Autosomal recessive limb-girdle muscular dystrophy type 2Q (LGMDR17). Also called: MUSCULAR DYSTROPHY, LIMB-GIRDLE, AUTOSOMAL RECESSIVE 17. Identifiers: Orphanet 254361, MedGen C3150989, MONDO:0013390, OMIM 613723.
Epidermolysis bullosa simplex with nail dystrophy (EBS5D). Identifiers: MedGen C4225309, MONDO:0014661, OMIM 616487.
Epidermolysis bullosa simplex, Ogna type (EBS5A). Also called: Pidermolysis bullosa simplex 5A, Ogna type; EPIDERMOLYSIS BULLOSA SIMPLEX 5A, OGNA TYPE. Identifiers: Orphanet 79401, MedGen C0432317, MONDO:0007555, OMIM 131950.

Allele frequency attached by ClinVar (database versions not stated): gnomAD exomes 0.00017 and 0.00018; TOPMed 0.00018; gnomAD 0.00023 and 0.00025; ExAC 0.00040; ESP Exome Variant Server 0.00040.
gnomAD v4.1: 271 of 1,582,920 alleles (0.017%); highest among the groups gnomAD compares: Non-Finnish European, 0.021%; no homozygotes.

Submissions (5):

CeGaT Center for Human Genetics Tuebingen
Classification: Likely benign. Last evaluated: 2026-09-01. Review status: criteria provided, single submitter. Criteria: CeGaT Center For Human Genetics Tuebingen Variant Classification Criteria Version 2. Collection method: clinical testing. Allele origin: germline. Affected: yes. Observed: 5 variant alleles.
Comment: PLEC: BP4, BP7

Labcorp Genetics (formerly Invitae), Labcorp
Classification: Likely benign for Autosomal recessive limb-girdle muscular dystrophy type 2Q; Epidermolysis bullosa simplex, Ogna type; Epidermolysis bullosa simplex with nail dystrophy; Epidermolysis bullosa simplex 5C, with pyloric atresia; Epidermolysis bullosa simplex 5B, with muscular dystrophy. Last evaluated: 2025-10-08. Review status: criteria provided, single submitter. Criteria: Invitae Variant Classification Sherloc (09022015). Collection method: clinical testing. Allele origin: germline.

Blueprint Genetics
Classification: Likely benign. Last evaluated: 2024-11-11. Review status: criteria provided, single submitter. Criteria: ACMG Guidelines, 2015. Collection method: clinical testing. Allele origin: germline.

Eurofins Ntd Llc (ga)
Classification: Uncertain significance. Last evaluated: 2017-05-04. Review status: criteria provided, single submitter. Criteria: EGL Classification Definitions 2015. Collection method: clinical testing. Allele origin: germline. Observed: 6 variant alleles, 6 heterozygotes.

GeneDx
Classification: Likely benign. Last evaluated: 2017-02-27. Review status: criteria provided, single submitter. Criteria: GeneDx Variant Classification (06012015). Collection method: clinical testing. Allele origin: germline. Affected: yes.
Comment: This variant is considered likely benign or benign based on one or more of the following criteria: it is a conservative change, it occurs at a poorly conserved position in the protein, it is predicted to be benign by multiple in silico algorithms, and/or has population frequency not consistent with disease.